The following is an entry in ClinVar:

ClinVar aggregate classification (germline): Uncertain significance. Review status: criteria provided, multiple submitters, no conflicts (2 of 4 stars). 4 submissions from 4 submitters: Uncertain significance (4). Last evaluated 2024-02-24.

Conditions:
Myoclonic epilepsy, juvenile, susceptibility to, 1. Also called: Myoclonic Epilepsy, Juvenile, 1; EJM1. Identifiers: MedGen C1850778, MONDO:0020752, OMIM 254770.
Absence seizure. Also called: Absence epilepsy. Identifiers: Orphanet 1941, MedGen C0014553.

Allele frequency attached by ClinVar (database versions not stated): gnomAD 0.00006 and 0.00007; ESP Exome Variant Server 0.00008; TOPMed 0.00009; gnomAD exomes 0.00011; ExAC 0.00016.

Submissions (4):

Labcorp Genetics (formerly Invitae), Labcorp
Classification: Uncertain significance for Myoclonic epilepsy, juvenile, susceptibility to, 1; Absence seizure. Last evaluated: 2024-02-24. Review status: criteria provided, single submitter. Criteria: Invitae Variant Classification Sherloc (09022015). Collection method: clinical testing. Allele origin: germline.
Comment: This sequence change replaces arginine, which is basic and polar, with cysteine, which is neutral and slightly polar, at codon 436 of the EFHC1 protein (p.Arg436Cys). This variant is present in population databases (rs377286138, gnomAD 0.03%). This missense change has been observed in individual(s) with myoclonic epilepsy (PMID: 28370826; Invitae). ClinVar contains an entry for this variant (Variation ID: 198888). Advanced modeling of protein sequence and biophysical properties (such as structural, functional, and spatial information, amino acid conservation, physicochemical variation, residue mobility, and thermodynamic stability) performed at Invitae indicates that this missense variant is expected to disrupt EFHC1 protein function with a positive predictive value of 80%. Experimental studies are conflicting or provide insufficient evidence to determine the effect of this variant on EFHC1 function (PMID: 28370826). In summary, the available evidence is currently insufficient to determine the role of this variant in disease. Therefore, it has been classified as a Variant of Uncertain Significance.

Blueprint Genetics
Classification: Uncertain significance. Last evaluated: 2023-04-12. Review status: criteria provided, single submitter. Criteria: ACMG Guidelines, 2015. Collection method: clinical testing. Allele origin: germline.

Eurofins Ntd Llc (ga)
Classification: Uncertain significance. Last evaluated: 2014-10-03. Review status: criteria provided, single submitter. Criteria: EGL Classification Definitions 2015. Collection method: clinical testing. Allele origin: germline. Observed: 1 variant allele, 1 heterozygote.

GeneDx
Classification: Uncertain significance. Last evaluated: 2013-09-17. Review status: criteria provided, single submitter. Criteria: GeneDx Variant Classification (06012015). Collection method: clinical testing. Allele origin: germline. Affected: yes.
Comment: p.Arg436Cys (R436C) CGC>TGC: c.1306 C>T in exon 8 of the EFHC1 gene (NM_018100.3). The Arg436Cys missense change in the EFHC1 gene has not been published as a mutation, nor has it been reported as a benign polymorphism to our knowledge. This variant is a non-conservative amino acid substitution of a positively charged Arginine residue with an uncharged Cysteine residue, and the addition of a Cysteine may affect disulfide bonding and the secondary structure of the protein. The variant alters a conserved position in the DM10-3 domain of the protein. In silico analysis predicts this variant is probably damaging to the protein structure/function. However, based on the currently available information, it is unclear whether Arg436Cys is a disease-causing mutation or a rare benign variant.Therefore, based on the currently available information, it is unclear whether R436C is a disease-causing mutation or a rare benign variant. The variant is found in EPILEPSY panel(s).

Literature cited by the submitters: PubMed 28370826 (cited by Labcorp Genetics (formerly Invitae), Labcorp).

NM_018100.4(EFHC1):c.1306C>T (p.Arg436Cys)

Gene: EFHC1 (EF-hand domain containing 1; plus strand). Cytogenetic location: 6p12.2.
Variant type: single nucleotide variant.
Coding change: c.1306C>T on transcript NM_018100.4 (MANE Select); coding-DNA position 1306, C replaced by T.
Protein change: p.Arg436Cys; replaces arginine 436 with cysteine.
Molecular consequence: missense variant. On other transcripts: non-coding transcript variant (1).
Genome position (GRCh38, 1-based): chr6:52,479,064, C>T. VCF-style: chr6-52479064-C-T. GRCh37 (hg19) VCF-style: chr6-52343862-C-T.
Other names: p.R436C:CGC>TGC; c.1249C>T, p.Arg417Cys (NM_001172420.2); short protein forms R436C, R417C.
Identifiers: ClinVar variation 198888 (VCV000198888.19), dbSNP rs377286138, ClinGen allele CA247780.